The following is an entry in ClinVar:

NM_001042702.5(PJVK):c.56T>G (p.Leu19Ter)

Gene: PJVK (pejvakin; plus strand). Cytogenetic location: 2q31.2.
Variant type: single nucleotide variant.
Coding change: c.56T>G on transcript NM_001042702.5 (MANE Select); coding-DNA position 56, T replaced by G.
Protein change: p.Leu19Ter; replaces leucine 19 with a stop codon.
Molecular consequence: nonsense. On other transcripts: 5 prime UTR variant (1), intron variant (1).
Genome position (GRCh38, 1-based): chr2:178,453,465, T>G. VCF-style: chr2-178453465-T-G. GRCh37 (hg19) VCF-style: chr2-179318192-T-G.
Other names: c.65T>G, p.Leu22Ter (NM_001353775.2); c.161T>G, p.Leu54Ter (NM_001353776.2); c.-422T>G (NM_001353778.2); c.56T>G, p.Leu19Ter (NM_001369912.1); c.-334-88T>G (NM_001353777.1); short protein forms L54*, L19*, L22*.
Identifiers: ClinVar variation 2719460 (VCV002719460.3), dbSNP rs2468704589, ClinGen allele CA349397210.

ClinVar aggregate classification (germline): Pathogenic (1 of 4 stars; one submission).

Submission:

Labcorp Genetics (formerly Invitae), Labcorp
Classification: Pathogenic. Last evaluated: 2023-06-20. Review status: criteria provided, single submitter. Criteria: Invitae Variant Classification Sherloc (09022015). Collection method: clinical testing. Allele origin: germline.
Comment: For these reasons, this variant has been classified as Pathogenic. This variant has not been reported in the literature in individuals affected with DFNB59-related conditions. This variant is not present in population databases (gnomAD no frequency). This sequence change creates a premature translational stop signal (p.Leu19*) in the DFNB59 gene. It is expected to result in an absent or disrupted protein product. Loss-of-function variants in DFNB59 are known to be pathogenic (PMID: 17301963, 17718875).

Literature cited by the submitters: PubMed 17301963; PubMed 17718875.